The following is an entry in ClinVar:

ClinVar aggregate classification (germline): Likely pathogenic (1 of 4 stars; one submission).

Conditions:
EXT2-related disorder. Also called: EXT2-related condition.

Submission:

PreventionGenetics, part of Exact Sciences
Classification: Likely pathogenic for EXT2-related condition. Last evaluated: 2023-08-17. Review status: criteria provided, single submitter. Criteria: ACMG Guidelines, 2015. Collection method: clinical testing. Allele origin: germline.
Comment: The EXT2 c.385G>T variant is predicted to result in premature protein termination (p.Glu129*). To our knowledge, this variant has not been reported in the literature or in a large population database, indicating this variant is rare. Nonsense variants in EXT2 are expected to be pathogenic. This variant is interpreted as likely pathogenic.

NM_207122.2(EXT2):c.385G>T (p.Glu129Ter)

Gene: EXT2 (exostosin glycosyltransferase 2; plus strand). Cytogenetic location: 11p11.2.
Variant type: single nucleotide variant.
Coding change: c.385G>T on transcript NM_207122.2 (MANE Select); coding-DNA position 385, G replaced by T.
Protein change: p.Glu129Ter; replaces glutamic acid 129 with a stop codon.
Molecular consequence: nonsense.
Genome position (GRCh38, 1-based): chr11:44,108,097, G>T. VCF-style: chr11-44108097-G-T. GRCh37 (hg19) VCF-style: chr11-44129647-G-T.
Other names: c.484G>T, p.Glu162Ter (NM_000401.3); c.385G>T, p.Glu129Ter (NM_001178083.3, NM_001389628.1, NM_001389630.1); short protein forms E129*, E162*.
Identifiers: ClinVar variation 2633014 (VCV002633014.1), dbSNP rs1488367942, ClinGen allele CA380180234.